The following is an entry in ClinVar:

ClinVar aggregate classification (germline): Uncertain significance (1 of 4 stars; one submission).

Allele frequency attached by ClinVar (database versions not stated): gnomAD 0.00001; gnomAD exomes 0.00001 and 0.00002; TOPMed 0.00001; ExAC 0.00004.

Submission:

Labcorp Genetics (formerly Invitae), Labcorp
Classification: Uncertain significance. Last evaluated: 2021-11-23. Review status: criteria provided, single submitter. Criteria: Invitae Variant Classification Sherloc (09022015). Collection method: clinical testing. Allele origin: germline.
Comment: In summary, the available evidence is currently insufficient to determine the role of this variant in disease. Therefore, it has been classified as a Variant of Uncertain Significance. Algorithms developed to predict the effect of missense changes on protein structure and function are either unavailable or do not agree on the potential impact of this missense change (SIFT: "Deleterious"; PolyPhen-2: "Benign"; Align-GVGD: "Class C0"). This variant has not been reported in the literature in individuals affected with UBE3B-related conditions. This variant is present in population databases (rs755856794, gnomAD 0.005%). This sequence change replaces proline, which is neutral and non-polar, with leucine, which is neutral and non-polar, at codon 113 of the UBE3B protein (p.Pro113Leu).

NM_130466.4(UBE3B):c.338C>T (p.Pro113Leu)

Gene: UBE3B (ubiquitin protein ligase E3B; plus strand). Cytogenetic location: 12q24.11.
Variant type: single nucleotide variant.
Coding change: c.338C>T on transcript NM_130466.4 (MANE Select); coding-DNA position 338, C replaced by T.
Protein change: p.Pro113Leu; replaces proline 113 with leucine.
Molecular consequence: missense variant.
Genome position (GRCh38, 1-based): chr12:109,486,067, C>T. VCF-style: chr12-109486067-C-T. GRCh37 (hg19) VCF-style: chr12-109923872-C-T.
Other names: c.338C>T, p.Pro113Leu (NM_001270449.2, NM_001270450.2, NM_001270451.2 and 1 more transcripts); short protein forms P113L.
Identifiers: ClinVar variation 1485398 (VCV001485398.4), dbSNP rs755856794, ClinGen allele CA6777448.
Genomic context (GRCh38, chr12:109,486,067, plus strand): 5'-TGCAGAGATTTGAGAAGTTGTGTCGCAGCATCCTGAGCAGCATGGATGCTGAGAATGAGC[C>T]TAAGGTAAGTGGACGGGAGCCGCAGTGTCTCCCACAAGCTCTTAAGGGCCAACCTACTGG-3'
Protein context (NP_569733.2, residues 103-123): ILSSMDAENE[Pro113Leu]KVWYVSLACS